The following is an entry in ClinVar:

NM_006765.4(TUSC3):c.327T>A (p.Tyr109Ter)

Gene: TUSC3 (tumor suppressor candidate 3; plus strand). Cytogenetic location: 8p22.
Variant type: single nucleotide variant.
Coding change: c.327T>A on transcript NM_006765.4 (MANE Select); coding-DNA position 327, T replaced by A.
Protein change: p.Tyr109Ter; replaces tyrosine 109 with a stop codon.
Molecular consequence: nonsense. On other transcripts: 5 prime UTR variant (1), non-coding transcript variant (5), intron variant (1).
Genome position (GRCh38, 1-based): chr8:15,650,715, T>A. VCF-style: chr8-15650715-T-A. GRCh37 (hg19) VCF-style: chr8-15508224-T-A.
Other names: c.159T>A, p.Tyr53Ter (NM_001413669.1, NM_001413671.1, NM_001413672.1); c.267T>A, p.Tyr89Ter (NM_001413670.1); c.327T>A, p.Tyr109Ter (NM_001413673.1, NM_001413674.1, NM_001413675.1 and 16 more transcripts); c.-61T>A (NM_001413678.1); c.321T>A, p.Tyr107Ter (NM_001413690.1); c.-6-8792T>A (NM_001413677.1); short protein forms Y107*, Y109*, Y53*, Y89*.
Identifiers: ClinVar variation 3381904 (VCV003381904.2).

ClinVar aggregate classification (germline): Likely pathogenic (1 of 4 stars; one submission).

Conditions:
Intellectual developmental disorder, autosomal recessive 7. Also called: Intellectual disability, autosomal recessive 7. Identifiers: Orphanet 88616, MedGen C1970197, MONDO:0012615, OMIM 611093.

Submission:

Juno Genomics, Hangzhou Juno Genomics, Inc
Classification: Likely pathogenic for Intellectual developmental disorder, autosomal recessive 7. Review status: criteria provided, single submitter. Criteria: ACMG Guidelines, 2015. Collection method: clinical testing. Allele origin: germline. Affected: yes.
Comment: Null variant in a gene where loss of function (LOF) is a known mechanism of disease.;Absent from controls (or at extremely low frequency if recessive) in Genome Aggregation Database, Exome Sequencing Project, 1000 Genomes Project, or Exome Aggregation Consortium.